The following is an entry in ClinVar:

ClinVar aggregate classification (germline): Pathogenic. Review status: criteria provided, multiple submitters, no conflicts (2 of 4 stars). 2 submissions from 2 submitters: Pathogenic (2). Last evaluated 2022-03-02.

Conditions:
Spastic paraplegia. Identifiers: MedGen C0037772, HP:0001258.
Hereditary spastic paraplegia 44. Also called: SPASTIC PARAPLEGIA 44, AUTOSOMAL RECESSIVE. Identifiers: Orphanet 320401, MedGen C2750784, MONDO:0013179, OMIM 613206.

Submissions (2):

Labcorp Genetics (formerly Invitae), Labcorp
Classification: Pathogenic for Spastic paraplegia. Last evaluated: 2022-03-02. Review status: criteria provided, single submitter. Criteria: Invitae Variant Classification Sherloc (09022015). Collection method: clinical testing. Allele origin: germline.
Comment: This variant has not been reported in the literature in individuals affected with GJC2-related conditions. For these reasons, this variant has been classified as Pathogenic. This variant disrupts a region of the GJC2 protein in which other variant(s) (p.Gly433Argfs*59) have been determined to be pathogenic (PMID: 27057822). This suggests that this is a clinically significant region of the protein, and that variants that disrupt it are likely to be disease-causing. This variant is not present in population databases (gnomAD no frequency). This sequence change results in a frameshift in the GJC2 gene (p.Ser381Profs*107). While this is not anticipated to result in nonsense mediated decay, it is expected to disrupt the last 59 amino acid(s) of the GJC2 protein and extend the protein by 47 additional amino acid residues.

Lifecell International Pvt. Ltd
Classification: Pathogenic for Hereditary spastic paraplegia 44. Review status: criteria provided, single submitter. Criteria: ACMG Guidelines, 2015. Collection method: clinical testing. Allele origin: germline. Inheritance: Autosomal recessive inheritance. Affected: yes. Observed: 1 compound heterozygote.
Comment: A Heterozygous Frameshift variant c.1137_1147delGGCCTCCCGGG in Exon 2 of the GJC2 gene that results in the amino acid substitution p.Ser381fs*57 was identified. The observed variant has a minor allele frequency of 0% in gnomAD exomes and genomes, respectively. The severity of the impact of this variant on the protein is high, based on the effect of the protein and REVEL score. Rare Exome Variant Ensemble Learner (REVEL) is an ensembl method for predicting the pathogenicity of missense variants based on a combination of scores from 13 individual tools: MutPred, FATHMM v2.3, VEST 3.0, PolyPhen-2, SIFT, PROVEAN, MutationAssessor, MutationTaster, LRT, GERP++, SiPhy, phyloP, and phastCons. The REVEL score for an individual missense variant can range from 0 to 1, with higher scores reflecting greater likelihood that the variant is disease-causing. ClinVar has also classified this variant as Pathogenic (Variant ID:1363305). Based on the above evidence this variant has been classified as Pathogenic according to the ACMG guidelines.

Literature cited by the submitters: PubMed 27057822 (cited by Labcorp Genetics (formerly Invitae), Labcorp).

NM_020435.4(GJC2):c.1141_1151del (p.Ser381fs)

Gene: GJC2 (gap junction protein gamma 2; plus strand). Cytogenetic location: 1q42.13.
Variant type: Deletion.
Coding change: c.1141_1151del on transcript NM_020435.4 (MANE Select); coding-DNA positions 1141 to 1151, 11 bases deleted (TCCCGGGGGCC).
Protein change: p.Ser381fs; shifts the reading frame from serine 381.
Molecular consequence: frameshift variant.
Genome position (GRCh38, 1-based): chr1:228,158,899-228,158,909, TCCCGGGGGCC deleted; deleting any 11 consecutive bases within chr1:228,158,895-228,158,909 gives the same sequence; the c. name uses the placement nearest the transcript's 3' end. VCF-style (leftmost placement, unchanged base first): chr1-228158894-CGGCCTCCCGGG-C. GRCh37 (hg19) VCF-style: chr1-228346595-CGGCCTCCCGGG-C.
Other names: c.1137_1147delGGCCTCCCGGG (NM_020435.4); short protein forms S381fs.
Identifiers: ClinVar variation 1363305 (VCV001363305.6), dbSNP rs2124967068, ClinGen allele CA2573132772.